The following is an entry in ClinVar:

NM_001039141.3(TRIOBP):c.5903G>T (p.Arg1968Leu)

Gene: TRIOBP (TRIO and F-actin binding protein; plus strand). Cytogenetic location: 22q13.1.
Variant type: single nucleotide variant.
Coding change: c.5903G>T on transcript NM_001039141.3 (MANE Select); coding-DNA position 5903, G replaced by T.
Protein change: p.Arg1968Leu; replaces arginine 1968 with leucine.
Molecular consequence: missense variant.
Genome position (GRCh38, 1-based): chr22:37,757,828, G>T. VCF-style: chr22-37757828-G-T. GRCh37 (hg19) VCF-style: chr22-38153835-G-T.
Other names: c.764G>T, p.Arg255Leu (NM_007032.5, NM_138632.2); short protein forms R1968L, R255L.
Identifiers: ClinVar variation 1315113 (VCV001315113.3), dbSNP rs201211654, ClinGen allele CA411507169.

ClinVar aggregate classification (germline): Uncertain significance (1 of 4 stars; one submission).

Submission:

GeneDx
Classification: Uncertain significance. Last evaluated: 2025-11-14. Review status: criteria provided, single submitter. Criteria: GeneDx Variant Classification Process June 2021. Collection method: clinical testing. Allele origin: germline. Affected: yes.
Comment: Not observed at significant frequency in large population cohorts (gnomAD); In silico analysis supports that this missense variant has a deleterious effect on protein structure/function; Has not been previously published as pathogenic or benign to our knowledge